The following is an entry in ClinVar:

NM_022552.5(DNMT3A):c.184A>C (p.Ser62Arg)

Gene: DNMT3A (DNA methyltransferase 3 alpha; minus strand). Cytogenetic location: 2p23.3.
Variant type: single nucleotide variant.
Coding change: c.184A>C on transcript NM_022552.5 (MANE Select); coding-DNA position 184, A replaced by C.
Protein change: p.Ser62Arg; replaces serine 62 with arginine.
Molecular consequence: missense variant. On other transcripts: non-coding transcript variant (1).
Genome position (GRCh38, 1-based): chr2:25,282,705, T>G on the plus strand (A>C on the coding strand, the complement: DNMT3A is on the minus strand). VCF-style: chr2-25282705-T-G. GRCh37 (hg19) VCF-style: chr2-25505574-T-G.
Other names: c.184A>C, p.Ser62Arg (NM_001320892.2, NM_175629.2, NM_175630.1); short protein forms S62R.
Identifiers: ClinVar variation 4706198 (VCV004706198.1).
Genomic context (GRCh38, chr2:25,282,705, plus strand): 5'-AGTCCTGGGCCATGGATGGGGACTTGGAGATCACCGCAGGGTCCTTTGGCGTGTCACCGC[T>G]TTCCACCTGCAAATGTAAGAAAGATACACAAGAGGAGGGTTAGATCAGTGGGCTTAGCCT-3'
Protein context (NP_072046.2, residues 52-72): GRKRKHPPVE[Ser62Arg]GDTPKDPAVI

ClinVar aggregate classification (germline): Uncertain significance (1 of 4 stars; one submission).

Conditions:
Tatton-Brown-Rahman overgrowth syndrome. Also called: Tall stature-intellectual disability-facial dysmorphism syndrome; Tatton-Brown-Rahman syndrome. Identifiers: Orphanet 404443, MedGen C4014545, MONDO:0014382, OMIM 615879.

gnomAD v4.1: 2 of 1,524,474 alleles (0.00013%); highest among the groups gnomAD compares: African/African-American, 0.0028%; no homozygotes.

Submission:

Labcorp Genetics (formerly Invitae), Labcorp
Classification: Uncertain significance for Tatton-Brown-Rahman overgrowth syndrome. Last evaluated: 2025-10-09. Review status: criteria provided, single submitter. Criteria: Invitae Variant Classification Sherloc (09022015). Collection method: clinical testing. Allele origin: germline.
Comment: This sequence change replaces serine, which is neutral and polar, with arginine, which is basic and polar, at codon 62 of the DNMT3A protein (p.Ser62Arg). This variant is not present in population databases (gnomAD no frequency). This variant has not been reported in the literature in individuals affected with DNMT3A-related conditions. Invitae Evidence Modeling of protein sequence and biophysical properties (such as structural, functional, and spatial information, amino acid conservation, physicochemical variation, residue mobility, and thermodynamic stability) indicates that this missense variant is not expected to disrupt DNMT3A protein function with a negative predictive value of 95%. In summary, the available evidence is currently insufficient to determine the role of this variant in disease. Therefore, it has been classified as a Variant of Uncertain Significance.